The following is an entry in ClinVar:

NM_003737.4(DCHS1):c.8531C>T (p.Ala2844Val)

Gene: DCHS1 (dachsous cadherin-related 1; minus strand). Cytogenetic location: 11p15.4.
Variant type: single nucleotide variant.
Coding change: c.8531C>T on transcript NM_003737.4 (MANE Select); coding-DNA position 8531, C replaced by T.
Protein change: p.Ala2844Val; replaces alanine 2844 with valine.
Molecular consequence: missense variant.
Genome position (GRCh38, 1-based): chr11:6,623,145, G>A on the plus strand (C>T on the coding strand, the complement: DCHS1 is on the minus strand). VCF-style: chr11-6623145-G-A. GRCh37 (hg19) VCF-style: chr11-6644376-G-A.
Other names: short protein forms A2844V.
Identifiers: ClinVar variation 3670339 (VCV003670339.2).

ClinVar aggregate classification (germline): Uncertain significance (1 of 4 stars; one submission).

Submission:

Labcorp Genetics (formerly Invitae), Labcorp
Classification: Uncertain significance. Last evaluated: 2024-12-12. Review status: criteria provided, single submitter. Criteria: Invitae Variant Classification Sherloc (09022015). Collection method: clinical testing. Allele origin: germline.
Comment: This sequence change replaces alanine, which is neutral and non-polar, with valine, which is neutral and non-polar, at codon 2844 of the DCHS1 protein (p.Ala2844Val). This variant is not present in population databases (gnomAD no frequency). This variant has not been reported in the literature in individuals affected with DCHS1-related conditions. Invitae Evidence Modeling of protein sequence and biophysical properties (such as structural, functional, and spatial information, amino acid conservation, physicochemical variation, residue mobility, and thermodynamic stability) indicates that this missense variant is not expected to disrupt DCHS1 protein function with a negative predictive value of 80%. In summary, the available evidence is currently insufficient to determine the role of this variant in disease. Therefore, it has been classified as a Variant of Uncertain Significance.